The following is an entry in ClinVar:

ClinVar aggregate classification (germline): Likely pathogenic (1 of 4 stars; one submission).

Allele frequency attached by ClinVar (database versions not stated): gnomAD exomes below 0.00001; TOPMed below 0.00001; gnomAD 0.00001.

Submission:

Labcorp Genetics (formerly Invitae), Labcorp
Classification: Likely pathogenic. Last evaluated: 2020-12-09. Review status: criteria provided, single submitter. Criteria: Invitae Variant Classification Sherloc (09022015). Collection method: clinical testing. Allele origin: germline.
Comment: In summary, the currently available evidence indicates that the variant is pathogenic, but additional data are needed to prove that conclusively. Therefore, this variant has been classified as Likely Pathogenic. This variant has not been reported in the literature in individuals with BRSK2-related conditions. This variant is not present in population databases (ExAC no frequency). This sequence change affects an acceptor splice site in intron 18 of the BRSK2 gene. It is expected to disrupt RNA splicing. Variants that disrupt the donor or acceptor splice site typically lead to a loss of protein function (PMID: 16199547), and loss-of-function variants in BRSK2 are known to be pathogenic (PMID: 30879638).

Literature cited by the submitters: PubMed 16199547; PubMed 30879638.

NM_001256627.2(BRSK2):c.1940-3_1940-2del

Gene: BRSK2 (BR serine/threonine kinase 2; plus strand). Cytogenetic location: 11p15.5.
Variant type: Deletion.
Coding change: c.1940-3_1940-2del on transcript NM_001256627.2 (MANE Select); 3 bases into the intron before coding-DNA position 1940 through the canonical splice acceptor site of the intron before coding-DNA position 1940, 2 bases deleted (CA; older notation c.1940-3_1940-2delCA).
Molecular consequence: splice acceptor variant. On other transcripts: intron variant (2).
Genome position (GRCh38, 1-based): chr11:1,459,189-1,459,190, CA deleted. VCF-style (leftmost placement, unchanged base first): chr11-1459188-CCA-C. GRCh37 (hg19) VCF-style: chr11-1480418-CCA-C.
Other names: c.*10-1781_*10-1780del (NM_001256629.2, NM_001282218.2); c.1940-3_1940-2del (NM_003957.4); c.2078-3_2078-2del (NM_001256630.1).
Identifiers: ClinVar variation 1473680 (VCV001473680.8), dbSNP rs1288997339, ClinGen allele CA597064257.
Genomic context (GRCh38, chr11:1,459,188, plus strand): 5'-AGCCAGAAGGCCCAGGACAGCCTTTCACTCACTCCCTCCCTCCTCTCTCCATTCTGTACT[CCA>C]GACACCACTAACTGTATGGAAATGATGACGGGGCGGCTTTCCAAATGTGGTAAGAATCCC-3'